The following is an entry in ClinVar:

NM_001378328.1(CELSR1):c.868G>T (p.Glu290Ter)

Gene: CELSR1 (cadherin EGF LAG seven-pass G-type receptor 1; minus strand). Cytogenetic location: 22q13.31.
Variant type: single nucleotide variant.
Coding change: c.868G>T on transcript NM_001378328.1 (MANE Select); coding-DNA position 868, G replaced by T.
Protein change: p.Glu290Ter; replaces glutamic acid 290 with a stop codon.
Molecular consequence: nonsense.
Genome position (GRCh38, 1-based): chr22:46,536,303, C>A on the plus strand (G>T on the coding strand, the complement: CELSR1 is on the minus strand). VCF-style: chr22-46536303-C-A. GRCh37 (hg19) VCF-style: chr22-46932200-C-A.
Other names: c.868G>T, p.Glu290Ter (NM_014246.4); short protein forms E290*.
Identifiers: ClinVar variation 590904 (VCV000590904.5), dbSNP rs1569227576, ClinGen allele CA411952363.
Genomic context (GRCh38, chr22:46,536,303, plus strand): 5'-CGCTGTCCGTGCTCACGGCGCCCGTGGCAGAGTCGATTCGGAAGTAGCCCCGGGAGCGCT[C>A]GTCGAACAGCCCCTCCATGTAATAGCTCACGCGCTCCTCCTCGCCCTCGATGGTGTAGTG-3'

ClinVar aggregate classification (germline): Likely pathogenic. Review status: criteria provided, single submitter (1 of 4 stars). 2 submissions from 2 submitters: Likely pathogenic (1). 1 of the submissions does not count toward it. Last evaluated 2018-10-24.

Conditions:
Lymphatic malformation (LM). Identifiers: MedGen C0398368, MONDO:0019313. Disease mechanism: gain of function.
Lymphatic malformation 9. Identifiers: MedGen C5543365, MONDO:0030270, OMIM 619319.

Submissions (2):

MAGI'S LAB - Medical Genetics Laboratory, MAGI GROUP
Classification: Likely pathogenic for Hereditary lymphedema. Last evaluated: 2018-10-24. Review status: criteria provided, single submitter. Criteria: ACMG Guidelines, 2015. Collection method: clinical testing. Allele origin: paternal. Inheritance: Autosomal dominant inheritance. Affected: yes. Observed: 1 heterozygote.
Comment: The nonsense variant fall in the cadherin domain of the protein causing very early termination of the protein. It can be considered a private variant since it is not listed in any of the public database questioned. In summary, the c.868G>T variant meets the criteria of the American College of Medical Genetics and Genomics guidelines (Richards et al., 2015) to be classified as likely pathogenic based upon type of variation and absence from controls.

OMIM
Classification: Pathogenic for LYMPHATIC MALFORMATION 9. Last evaluated: 2021-05-14. Review status: no assertion criteria provided. Collection method: literature only. Allele origin: germline. Not counted in ClinVar's aggregate classification.

Literature cited by the submitters: PubMed 31215153 (cited by OMIM).